The following is an entry in ClinVar:

NM_001257180.2(SLC20A2):c.1308C>G (p.Tyr436Ter)

Gene: SLC20A2 (solute carrier family 20 member 2; minus strand). Cytogenetic location: 8p11.21.
Variant type: single nucleotide variant.
Coding change: c.1308C>G on transcript NM_001257180.2 (MANE Select); coding-DNA position 1308, C replaced by G.
Protein change: p.Tyr436Ter; replaces tyrosine 436 with a stop codon.
Molecular consequence: nonsense.
Genome position (GRCh38, 1-based): chr8:42,437,204, G>C on the plus strand (C>G on the coding strand, the complement: SLC20A2 is on the minus strand). VCF-style: chr8-42437204-G-C. GRCh37 (hg19) VCF-style: chr8-42294722-G-C.
Other names: c.1308C>G, p.Tyr436Ter (NM_001257181.2, NM_006749.5); short protein forms Y436*.
Identifiers: ClinVar variation 422286 (VCV000422286.2), dbSNP rs1064795684, ClinGen allele CA16618643.

ClinVar aggregate classification (germline): Likely pathogenic (1 of 4 stars; one submission).

Submission:

GeneDx
Classification: Likely pathogenic. Last evaluated: 2016-09-28. Review status: criteria provided, single submitter. Criteria: GeneDx Variant Classification (06012015). Collection method: clinical testing. Allele origin: germline. Affected: yes.
Comment: The Y436X variant in the SLC20A2 gene has not been reported previously as a pathogenic variant nor as a benign variant, to our knowledge. This variant is predicted to cause loss of normal protein function either through protein truncation or nonsense-mediated mRNA decay. The Y436X variant was not observed in approximately 6500 individuals of European and African American ancestry in the NHLBI Exome Sequencing Project, indicating it is not a common benign variant in these populations. The Y436X variant is a strong candidate for a pathogenic variant , however the possibility it may be a rare benign variant cannot be excluded.